The following is an entry in ClinVar:

NM_017636.4(TRPM4):c.2562GCGCCT[3] (p.Leu858_Tyr859insArgLeu)

Gene: TRPM4 (transient receptor potential cation channel subfamily M member 4; plus strand). Cytogenetic location: 19q13.33.
Variant type: Microsatellite.
Coding change: c.2562GCGCCT[3] on transcript NM_017636.4 (MANE Select); three copies in a row of the 6-base unit GCGCCT starting at c.2562; the reference has two copies in a row; one copy, 6 bases duplicated.
Protein change: p.Leu858_Tyr859insArgLeu.
Molecular consequence: intron variant (on NM_001195227.2).
Genome position (GRCh38, 1-based): chr19:49,196,797-49,196,802, GCGCCT duplicated; duplicating any 6 consecutive bases within chr19:49,196,791-49,196,802 gives the same sequence; the position shown is the placement nearest the transcript's 3' end. VCF-style (leftmost placement, unchanged base first): chr19-49196790-A-AGCGCCT. GRCh37 (hg19) VCF-style: chr19-49700047-A-AGCGCCT.
Other names: c.2217GCGCCT[3], p.Leu743_Tyr744insArgLeu (NM_001321281.2); c.954GCGCCT[3], p.Leu322_Tyr323insArgLeu (NM_001321282.2); c.2040GCGCCT[3], p.Leu684_Tyr685insArgLeu (NM_001321283.2); c.1500GCGCCT[3], p.Leu504_Tyr505insArgLeu (NM_001321285.2); c.2211-3509GCGCCT[3] (NM_001195227.2).
Identifiers: ClinVar variation 4841823 (VCV004841823.1).

ClinVar aggregate classification (germline): Uncertain significance (1 of 4 stars; one submission).

Conditions:
Cardiovascular phenotype. Identifiers: MedGen CN230736.

Submission:

Ambry Genetics
Classification: Uncertain significance for Cardiovascular phenotype. Last evaluated: 2026-01-21. Review status: criteria provided, single submitter. Criteria: Ambry Variant Classification Scheme 2023. Collection method: clinical testing. Allele origin: germline.
Comment: The c.2568_2573dupGCGCCT variant (also known as p.R857_L858dup), located in coding exon 17 of the TRPM4 gene, results from an in-frame duplication of GCGCCT at nucleotide positions 2568 to 2573. This results in the duplication of 2 extra residues (RL) between codons 857 and 858. This amino acid region is not well conserved in available vertebrate species. Based on the available evidence, the clinical significance of this variant remains unclear.